The following is an entry in ClinVar:

NM_000057.4(BLM):c.2965del (p.Cys989fs)

Gene: BLM (BLM RecQ like helicase; plus strand). Cytogenetic location: 15q26.1.
Variant type: Deletion.
Coding change: c.2965del on transcript NM_000057.4 (MANE Select); coding-DNA position 2965, one base deleted (T; older notation c.2965delT).
Protein change: p.Cys989fs; shifts the reading frame from cysteine 989.
Molecular consequence: frameshift variant.
Genome position (GRCh38, 1-based): chr15:90,790,790, T deleted. VCF-style (leftmost placement, unchanged base first): chr15-90790789-CT-C. GRCh37 (hg19) VCF-style: chr15-91334019-CT-C.
Other names: c.2965del, p.Cys989fs (NM_001287246.2, NM_001287247.2); c.1840del, p.Cys614fs (NM_001287248.2); short protein forms C614fs, C989fs.
Identifiers: ClinVar variation 3613695 (VCV003613695.2).
Genomic context (GRCh38, chr15:90,790,789, plus strand): 5'-ATCTGTGGAGGGTTACTACCAAGAATCTGGCAGAGCTGGAAGAGATGGGGAAATATCTCA[CT>C]GCCTGCTTTTCTATACCTATCATGATGTGACCAGACTGAAAAGACTTATAATGAGTAAGC-3'

ClinVar aggregate classification (germline): Pathogenic (1 of 4 stars; one submission).

Conditions:
Bloom syndrome (BLM). Also called: Bloom-Torre-Machacek syndrome. Identifiers: Orphanet 125, MedGen C0005859, MONDO:0008876, OMIM 210900.

Submission:

Labcorp Genetics (formerly Invitae), Labcorp
Classification: Pathogenic for Bloom syndrome. Last evaluated: 2024-12-04. Review status: criteria provided, single submitter. Criteria: Invitae Variant Classification Sherloc (09022015). Collection method: clinical testing. Allele origin: germline.
Comment: This sequence change creates a premature translational stop signal (p.Cys989Alafs*10) in the BLM gene. It is expected to result in an absent or disrupted protein product. Loss-of-function variants in BLM are known to be pathogenic (PMID: 17407155). This variant is present in population databases (rs762017395, gnomAD 0.006%). This variant has not been reported in the literature in individuals affected with BLM-related conditions. Algorithms developed to predict the effect of sequence changes on RNA splicing suggest that this variant may disrupt the consensus splice site. For these reasons, this variant has been classified as Pathogenic.

Literature cited by the submitters: PubMed 17407155.